The following is an entry in ClinVar:

ClinVar aggregate classification (germline): Uncertain significance (1 of 4 stars; one submission).

Conditions:
Hereditary cancer-predisposing syndrome. Also called: Neoplastic Syndromes, Hereditary; Tumor predisposition; Hereditary Cancer Syndrome; Hereditary neoplastic syndrome. Identifiers: Orphanet 140162, MedGen C0027672, MeSH D009386, MONDO:0015356.

Submission:

Ambry Genetics
Classification: Uncertain significance for Hereditary cancer-predisposing syndrome. Last evaluated: 2026-04-10. Review status: criteria provided, single submitter. Criteria: Ambry Variant Classification Scheme 2023. Collection method: clinical testing. Allele origin: germline.
Comment: The p.P1221S variant (also known as c.3661C>T), located in coding exon 30 of the POLE gene, results from a C to T substitution at nucleotide position 3661. The proline at codon 1221 is replaced by serine, an amino acid with similar properties. This amino acid position is conserved. In addition, this alteration is predicted to be tolerated by in silico analysis. Based on the available evidence, the clinical significance of this variant remains unclear.

NM_006231.4(POLE):c.3661C>T (p.Pro1221Ser)

Gene: POLE (DNA polymerase epsilon, catalytic subunit; minus strand). Cytogenetic location: 12q24.33.
Variant type: single nucleotide variant.
Coding change: c.3661C>T on transcript NM_006231.4 (MANE Select); coding-DNA position 3661, C replaced by T.
Protein change: p.Pro1221Ser; replaces proline 1221 with serine.
Molecular consequence: missense variant.
Genome position (GRCh38, 1-based): chr12:132,649,811, G>A on the plus strand (C>T on the coding strand, the complement: POLE is on the minus strand). VCF-style: chr12-132649811-G-A. GRCh37 (hg19) VCF-style: chr12-133226397-G-A.
Other names: short protein forms P1221S.
Identifiers: ClinVar variation 4862220 (VCV004862220.1).